The following is an entry in ClinVar:

NM_006092.4(NOD1):c.2697G>C (p.Lys899Asn)

Gene: NOD1 (nucleotide binding oligomerization domain containing 1; minus strand). Cytogenetic location: 7p14.3.
Variant type: single nucleotide variant.
Coding change: c.2697G>C on transcript NM_006092.4 (MANE Select); coding-DNA position 2697, G replaced by C.
Protein change: p.Lys899Asn; replaces lysine 899 with asparagine.
Molecular consequence: missense variant. On other transcripts: non-coding transcript variant (1).
Genome position (GRCh38, 1-based): chr7:30,433,104, C>G on the plus strand (G>C on the coding strand, the complement: NOD1 is on the minus strand). VCF-style: chr7-30433104-C-G. GRCh37 (hg19) VCF-style: chr7-30472720-C-G.
Other names: c.2613G>C, p.Lys871Asn (NM_001354849.2); short protein forms K899N, K871N.
Identifiers: ClinVar variation 103108 (VCV000103108.2), dbSNP rs199475905, ClinGen allele CA230126.

ClinVar aggregate classification (germline): not provided (0 of 4 stars; one submission).

Submission:

Human Evolutionary Genetics, Institut Pasteur
No classification provided. Review status: no classification provided. Collection method: not provided. Allele origin: germline.
ClinVar note: Converted during submission from untested to not provided.